The following is an entry in ClinVar:

ClinVar aggregate classification (germline): Uncertain significance. Review status: criteria provided, multiple submitters, no conflicts (2 of 4 stars). 2 submissions from 2 submitters: Uncertain significance (2). Last evaluated 2021-02-18.

Conditions:
Early-onset Parkinson disease 20. Also called: PARKINSON DISEASE 20, AUTOSOMAL RECESSIVE EARLY-ONSET. Identifiers: Orphanet 391411, MedGen C3809824, MONDO:0014233, OMIM 615530.
Developmental and epileptic encephalopathy, 53. Also called: Epileptic encephalopathy, early infantile, 53. Identifiers: MedGen C4479313, MONDO:0033362, OMIM 617389.

Submissions (2):

Labcorp Genetics (formerly Invitae), Labcorp
Classification: Uncertain significance for Developmental and epileptic encephalopathy, 53; Early-onset Parkinson disease 20. Last evaluated: 2021-02-18. Review status: criteria provided, single submitter. Criteria: Invitae Variant Classification Sherloc (09022015). Collection method: clinical testing. Allele origin: germline.
Comment: Algorithms developed to predict the effect of missense changes on protein structure and function (SIFT, PolyPhen-2, Align-GVGD) all suggest that this variant is likely to be disruptive, but these predictions have not been confirmed by published functional studies and their clinical significance is uncertain. This sequence change replaces serine with glycine at codon 835 of the SYNJ1 protein (p.Ser835Gly). The serine residue is highly conserved and there is a small physicochemical difference between serine and glycine. This variant is not present in population databases (ExAC no frequency). This variant has not been reported in the literature in individuals with SYNJ1-related conditions. In summary, the available evidence is currently insufficient to determine the role of this variant in disease. Therefore, it has been classified as a Variant of Uncertain Significance.

Blueprint Genetics
Classification: Uncertain significance. Last evaluated: 2019-07-22. Review status: criteria provided, single submitter. Criteria: ACMG Guidelines, 2015. Collection method: clinical testing. Allele origin: germline.

NM_203446.3(SYNJ1):c.2386A>G (p.Ser796Gly)

Gene: SYNJ1 (synaptojanin 1; minus strand). Cytogenetic location: 21q22.11.
Variant type: single nucleotide variant.
Coding change: c.2386A>G on transcript NM_203446.3 (MANE Select); coding-DNA position 2386, A replaced by G.
Protein change: p.Ser796Gly; replaces serine 796 with glycine.
Molecular consequence: missense variant.
Genome position (GRCh38, 1-based): chr21:32,657,791, T>C on the plus strand (A>G on the coding strand, the complement: SYNJ1 is on the minus strand). VCF-style: chr21-32657791-T-C. GRCh37 (hg19) VCF-style: chr21-34030101-T-C.
Other names: c.2386A>G, p.Ser796Gly (NM_001160302.2); c.2371A>G, p.Ser791Gly (NM_001160306.2); c.2503A>G, p.Ser835Gly (NM_003895.4); short protein forms S796G, S835G, S791G.
Identifiers: ClinVar variation 1471702 (VCV001471702.9), dbSNP rs2145858327, ClinGen allele CA410075380.